The following is an entry in ClinVar:

NM_001429.4(EP300):c.2131+10G>A

Gene: EP300 (EP300 lysine acetyltransferase; plus strand). Cytogenetic location: 22q13.2.
Variant type: single nucleotide variant.
Coding change: c.2131+10G>A on transcript NM_001429.4 (MANE Select); 10 bases into the intron after coding-DNA position 2131, G replaced by A.
Molecular consequence: intron variant.
Genome position (GRCh38, 1-based): chr22:41,146,826, G>A. VCF-style: chr22-41146826-G-A. GRCh37 (hg19) VCF-style: chr22-41542830-G-A.
Other names: c.2054-1011G>A (NM_001362843.2).
Identifiers: ClinVar variation 4997457 (VCV004997457.1).

ClinVar aggregate classification (germline): Likely benign (1 of 4 stars; one submission).

Conditions:
EP300-related disorder. Also called: EP300-related condition; EP300-related disorders.

Submission:

PreventionGenetics, part of Exact Sciences
Classification: Likely benign for EP300-related condition. Last evaluated: 2025-03-13. Review status: criteria provided, single submitter. Criteria: ACMG Guidelines, 2015. Collection method: clinical testing. Allele origin: germline.
Comment: This variant is classified as likely benign based on ACMG/AMP sequence variant interpretation guidelines (Richards et al. 2015 PMID: 25741868, with internal and published modifications).